The following is an entry in ClinVar:

ClinVar aggregate classification (germline): Uncertain significance (1 of 4 stars; one submission).

Conditions:
Hereditary cancer-predisposing syndrome. Also called: Neoplastic Syndromes, Hereditary; Tumor predisposition; Hereditary Cancer Syndrome; Hereditary neoplastic syndrome. Identifiers: Orphanet 140162, MedGen C0027672, MeSH D009386, MONDO:0015356.

Submission:

Ambry Genetics
Classification: Uncertain significance for Hereditary cancer-predisposing syndrome. Last evaluated: 2019-03-27. Review status: criteria provided, single submitter. Criteria: Ambry Variant Classification Scheme 2023. Collection method: clinical testing. Allele origin: germline.
Comment: The p.N768D variant (also known as c.2302A>G), located in coding exon 14 of the ATM gene, results from an A to G substitution at nucleotide position 2302. The asparagine at codon 768 is replaced by aspartic acid, an amino acid with highly similar properties. This variant has been detected in conjunction with an ATM splice site mutation in an individual with ataxia-telangiectasia, although the phase (cis vs trans) of these alterations is not reported (Stankovic T et al, Am. J. Hum. Genet. 1998 Feb; 62(2):334-45). This amino acid position is not well conserved in available vertebrate species. In addition, this alteration is predicted to be tolerated by in silico analysis. Since supporting evidence is limited at this time, the clinical significance of this alteration remains unclear.

Literature cited by the submitters: PubMed 22529920; PubMed 9463314.

NM_000051.4(ATM):c.2302A>G (p.Asn768Asp)

Gene: ATM (ATM serine/threonine kinase; plus strand). Cytogenetic location: 11q22.3.
Variant type: single nucleotide variant.
Coding change: c.2302A>G on transcript NM_000051.4 (MANE Select); coding-DNA position 2302, A replaced by G.
Protein change: p.Asn768Asp; replaces asparagine 768 with aspartic acid.
Molecular consequence: missense variant.
Genome position (GRCh38, 1-based): chr11:108,257,532, A>G. VCF-style: chr11-108257532-A-G. GRCh37 (hg19) VCF-style: chr11-108128259-A-G.
Other names: c.2302A>G, p.Asn768Asp (NM_001351834.2); short protein forms N768D.
Identifiers: ClinVar variation 821064 (VCV000821064.4), dbSNP rs1591546447, ClinGen allele CA382539817.
Genomic context (GRCh38, chr11:108,257,532, plus strand): 5'-TCACAATAGTCTCTAATGCAATGTGCAGGAGAAAGTATCACTCTGTTTAAAAATAAGACA[A>G]ATGAGGAATTCAGAATTGGTTCCTTGAGAAATATGATGCAGCTATGTACACGTTGCTTGA-3'
Protein context (NP_000042.3, residues 758-778): ESITLFKNKT[Asn768Asp]EEFRIGSLRN